The following is an entry in ClinVar:

NM_007347.5(AP4E1):c.466G>A (p.Val156Ile)

Gene: AP4E1 (adaptor related protein complex 4 subunit epsilon 1; plus strand). Cytogenetic location: 15q21.2.
Variant type: single nucleotide variant.
Coding change: c.466G>A on transcript NM_007347.5 (MANE Select); coding-DNA position 466, G replaced by A.
Protein change: p.Val156Ile; replaces valine 156 with isoleucine.
Molecular consequence: missense variant.
Genome position (GRCh38, 1-based): chr15:50,925,143, G>A. VCF-style: chr15-50925143-G-A. GRCh37 (hg19) VCF-style: chr15-51217340-G-A.
Other names: c.241G>A, p.Val81Ile (NM_001252127.2); c.466G>A (NM_007347.3); short protein forms V156I, V81I.
Identifiers: ClinVar variation 1483884 (VCV001483884.7), dbSNP rs765951750, ClinGen allele CA7558782.

ClinVar aggregate classification (germline): Conflicting classifications of pathogenicity. Review status: criteria provided, conflicting classifications (1 of 4 stars). 2 submissions from 2 submitters: Uncertain significance (1); Likely benign (1). Last evaluated 2025-06-11.

Conditions:
Spastic paraplegia. Identifiers: MedGen C0037772, HP:0001258.
Inborn genetic diseases. Identifiers: MedGen C0950123, MeSH D030342.

Submissions (2):

Ambry Genetics
Classification: Likely benign for Inborn genetic diseases. Last evaluated: 2025-06-11. Review status: criteria provided, single submitter. Criteria: Ambry Variant Classification Scheme 2023. Collection method: clinical testing. Allele origin: germline.

Labcorp Genetics (formerly Invitae), Labcorp
Classification: Uncertain significance for Spastic paraplegia. Last evaluated: 2024-02-24. Review status: criteria provided, single submitter. Criteria: Invitae Variant Classification Sherloc (09022015). Collection method: clinical testing. Allele origin: germline.
Comment: This sequence change replaces valine, which is neutral and non-polar, with isoleucine, which is neutral and non-polar, at codon 156 of the AP4E1 protein (p.Val156Ile). This variant is present in population databases (rs765951750, gnomAD 0.02%). This variant has not been reported in the literature in individuals affected with AP4E1-related conditions. ClinVar contains an entry for this variant (Variation ID: 1483884). Algorithms developed to predict the effect of missense changes on protein structure and function output the following: SIFT: "Not Available"; PolyPhen-2: "Benign"; Align-GVGD: "Not Available". The isoleucine amino acid residue is found in multiple mammalian species, which suggests that this missense change does not adversely affect protein function. In summary, the available evidence is currently insufficient to determine the role of this variant in disease. Therefore, it has been classified as a Variant of Uncertain Significance.